The following is an entry in ClinVar:

ClinVar aggregate classification (germline): Conflicting classifications of pathogenicity. Review status: criteria provided, conflicting classifications (1 of 4 stars). 3 submissions from 3 submitters: Uncertain significance (1); Likely benign (2). Last evaluated 2026-02-02.

Conditions:
Aortic aneurysm, familial thoracic 4 (AAT4). Also called: AORTIC ANEURYSM/AORTIC DISSECTION AND PATENT DUCTUS ARTERIOSUS. Identifiers: MedGen C1851504, MONDO:0007568, OMIM 132900.
Familial thoracic aortic aneurysm and aortic dissection (TAAD). Also called: Thoracic aortic aneurysms and dissections. Identifiers: Orphanet 91387, MedGen C4707243, MONDO:0019625.

Allele frequency attached by ClinVar (database versions not stated): gnomAD exomes below 0.00001; ExAC 0.00001.

Submissions (3):

Labcorp Genetics (formerly Invitae), Labcorp
Classification: Uncertain significance for Aortic aneurysm, familial thoracic 4. Last evaluated: 2026-02-02. Review status: criteria provided, single submitter. Criteria: Invitae Variant Classification Sherloc (09022015). Collection method: clinical testing. Allele origin: germline.
Comment: This sequence change affects a splice site in intron 41 of the MYH11 gene. While this variant is not anticipated to result in nonsense mediated decay, it likely alters RNA splicing and results in a disrupted protein product. This variant is present in population databases (rs768287089, gnomAD 0.003%). This variant has not been reported in the literature in individuals affected with MYH11-related conditions. ClinVar contains an entry for this variant (Variation ID: 2140785). Variants that disrupt the consensus splice site are a relatively common cause of aberrant splicing (PMID: 17576681, 9536098). Algorithms developed to predict the effect of sequence changes on RNA splicing suggest that this variant may disrupt the consensus splice site. In summary, the available evidence is currently insufficient to determine the role of this variant in disease. Therefore, it has been classified as a Variant of Uncertain Significance.

All of Us Research Program, National Institutes of Health
Classification: Likely benign for Familial thoracic aortic aneurysm and aortic dissection. Last evaluated: 2024-05-14. Review status: criteria provided, single submitter. Criteria: ACMG Guidelines, 2015. Collection method: clinical testing. Allele origin: germline. Inheritance: Autosomal dominant inheritance. Observed: 1 variant allele, 1 heterozygote.
Comment: This study involves interpretation of variants in research participants for the purpose of population health screening. Participant phenotype was not available at the time of variant classification. Additional details can be found in publication PMID: 35346344, PMCID: PMC8962531

Color Diagnostics, LLC DBA Color Health
Classification: Likely benign for Familial thoracic aortic aneurysm and aortic dissection. Last evaluated: 2024-05-09. Review status: criteria provided, single submitter. Criteria: ACMG Guidelines, 2015. Collection method: clinical testing. Allele origin: germline.

Literature cited by the submitters: PubMed 17576681 (cited by Labcorp Genetics (formerly Invitae), Labcorp); PubMed 9536098 (cited by Labcorp Genetics (formerly Invitae), Labcorp).

NM_001040113.2(MYH11):c.5808-3_5808-2del

Genes: NDE1 (nudE neurodevelopment protein 1; plus strand), MYH11 (myosin heavy chain 11; minus strand). Cytogenetic location: 16p13.11.
Variant type: Deletion.
Coding change: c.5808-3_5808-2del on transcript NM_001040113.2 (MANE Plus Clinical); 3 bases into the intron before coding-DNA position 5808 through the canonical splice acceptor site of the intron before coding-DNA position 5808, 2 bases deleted (CA; older notation c.5808-3_5808-2delCA).
Molecular consequence: splice acceptor variant. On other transcripts: intron variant (4).
Genome position (GRCh38, 1-based): chr16:15,708,843-15,708,844, TG deleted on the plus strand (CA on the coding strand, the reverse complement: MYH11 is on the minus strand). VCF-style (leftmost placement, unchanged base first): chr16-15708842-CTG-C. GRCh37 (hg19) VCF-style: chr16-15802699-CTG-C.
Other names: c.947+11983_947+11984del (NM_001143979.2, NM_017668.3); c.5787-4721_5787-4720del (NM_002474.3); c.5787-3_5787-2del (NM_022844.3); c.5808-4721_5808-4720del (NM_001040114.2).
Identifiers: ClinVar variation 2140785 (VCV002140785.5), dbSNP rs768287089, ClinGen allele CA7921112.